The following is an entry in ClinVar:

ClinVar aggregate classification (germline): Conflicting classifications of pathogenicity. Review status: criteria provided, conflicting classifications (1 of 4 stars). 4 submissions from 4 submitters: Uncertain significance (3); Likely benign (1). Last evaluated 2025-09-22.

Conditions:
Cardiovascular phenotype. Identifiers: MedGen CN230736.
Familial hypobetalipoproteinemia 1. Also called: Hypobetalipoproteinemia, normotriglyceridemic; Acanthocytosis with hypobetalipoproteinemia; APOB-Related Familial Hypobetalipoproteinemia. Identifiers: MedGen C4551990, MONDO:0014252, OMIM 615558.
Hypercholesterolemia, autosomal dominant, type B (FHCL2). Also called: Familial Hypercholesterolemia Type B; HYPERCHOLESTEROLEMIA, FAMILIAL, DUE TO LIGAND-DEFECTIVE APOLIPOPROTEIN B; Familial hypercholesterolemia 2; APOB-Related Familial Hypercholesterolemia, Autosomal Dominant; APOLIPOPROTEIN B-100, FAMILIAL DEFECTIVE; APOLIPOPROTEIN B-100, FAMILIAL LIGAND-DEFECTIVE. Identifiers: MedGen C1704417, MONDO:0007751, OMIM 144010.

Allele frequency attached by ClinVar (database versions not stated): ExAC 0.00002; gnomAD exomes 0.00002; gnomAD 0.00005 and 0.00006; ESP Exome Variant Server 0.00008; TOPMed 0.00008.
gnomAD v4.1: 30 of 1,613,970 alleles (0.0019%); highest among the groups gnomAD compares: Middle Eastern, 0.033%; no homozygotes.

Submissions (4):

Labcorp Genetics (formerly Invitae), Labcorp
Classification: Likely benign for Familial hypobetalipoproteinemia 1; Hypercholesterolemia, autosomal dominant, type B. Last evaluated: 2025-09-22. Review status: criteria provided, single submitter. Criteria: Invitae Variant Classification Sherloc (09022015). Collection method: clinical testing. Allele origin: germline.

GeneDx
Classification: Uncertain significance. Last evaluated: 2025-03-17. Review status: criteria provided, single submitter. Criteria: GeneDx Variant Classification Process June 2021. Collection method: clinical testing. Allele origin: germline. Affected: yes.
Comment: In silico analysis supports that this missense variant has a deleterious effect on protein structure/function; Has not been previously published as pathogenic or benign to our knowledge

Ambry Genetics
Classification: Uncertain significance for Cardiovascular phenotype. Last evaluated: 2024-03-04. Review status: criteria provided, single submitter. Criteria: Ambry Variant Classification Scheme 2023. Collection method: clinical testing. Allele origin: germline.
Comment: The p.T3165A variant (also known as c.9493A>G), located in coding exon 26 of the APOB gene, results from an A to G substitution at nucleotide position 9493. The threonine at codon 3165 is replaced by alanine, an amino acid with similar properties. This amino acid position is conserved. In addition, this alteration is predicted to be tolerated by in silico analysis. Since supporting evidence is limited at this time, the clinical significance of this alteration remains unclear.

Fulgent Genetics
Classification: Uncertain significance for Hypercholesterolemia, autosomal dominant, type B; Familial hypobetalipoproteinemia 1. Last evaluated: 2021-11-22. Review status: criteria provided, single submitter. Criteria: ACMG Guidelines, 2015. Collection method: clinical testing. Allele origin: unknown.

NM_000384.3(APOB):c.9493A>G (p.Thr3165Ala)

Gene: APOB (apolipoprotein B; minus strand). Cytogenetic location: 2p24.1.
Variant type: single nucleotide variant.
Coding change: c.9493A>G on transcript NM_000384.3 (MANE Select); coding-DNA position 9493, A replaced by G.
Protein change: p.Thr3165Ala; replaces threonine 3165 with alanine.
Molecular consequence: missense variant.
Genome position (GRCh38, 1-based): chr2:21,007,375, T>C on the plus strand (A>G on the coding strand, the complement: APOB is on the minus strand). VCF-style: chr2-21007375-T-C. GRCh37 (hg19) VCF-style: chr2-21230247-T-C.
Other names: short protein forms T3165A.
Identifiers: ClinVar variation 918611 (VCV000918611.12), dbSNP rs149166048, ClinGen allele CA066598.